The following is an entry in ClinVar:

NM_001374736.1(DST):c.1554+4A>G

Gene: DST (dystonin; minus strand). Cytogenetic location: 6p12.1.
Variant type: single nucleotide variant.
Coding change: c.1554+4A>G on transcript NM_001374736.1 (MANE Select); 4 bases into the intron after coding-DNA position 1554, A replaced by G.
Molecular consequence: intron variant.
Genome position (GRCh38, 1-based): chr6:56,648,566, T>C on the plus strand (A>G on the coding strand, the complement: DST is on the minus strand). VCF-style: chr6-56648566-T-C. GRCh37 (hg19) VCF-style: chr6-56513364-T-C.
Other names: c.1455+4A>G (NM_001144769.5); c.1554+4A>G (NM_001374722.1); c.1581+4A>G (NM_001374734.1); c.1041+4A>G (NM_001144770.2); c.921+4A>G (NM_001374730.1, NM_001386100.1, NM_183380.4 and 1 more transcripts).
Identifiers: ClinVar variation 1773023 (VCV001773023.2), dbSNP rs756779972, ClinGen allele CA3871686.

ClinVar aggregate classification (germline): Uncertain significance (1 of 4 stars; one submission).

Conditions:
Inborn genetic diseases. Identifiers: MedGen C0950123, MeSH D030342.

Allele frequency attached by ClinVar (database versions not stated): TOPMed below 0.00001; ExAC 0.00003.
gnomAD v4.1: 5 of 1,567,412 alleles (0.00032%); highest among the groups gnomAD compares: East Asian, 0.0046%; no homozygotes.

Submission:

Ambry Genetics
Classification: Uncertain significance for Inborn genetic diseases. Last evaluated: 2020-04-03. Review status: criteria provided, single submitter. Criteria: Ambry Variant Classification Scheme 2023. Collection method: clinical testing. Allele origin: germline.
Comment: The c.1455+4A>G intronic variant results from an A to G substitution 4 nucleotides after coding exon 12 in the DST gene. This nucleotide position is not well conserved in available vertebrate species. Using two different splice site prediction tools, this alteration is predicted by ESEfinder to abolish the native splice donor site, but is predicted to weaken (but not abolish) the efficiency of the native splice donor site by BDGP; however, direct evidence is unavailable. Since supporting evidence is limited at this time, the clinical significance of this alteration remains unclear.